The following is an entry in ClinVar:

ClinVar aggregate classification (germline): Uncertain significance (1 of 4 stars; one submission).

Conditions:
Epidermolysis bullosa simplex with nail dystrophy (EBS5D). Identifiers: MedGen C4225309, MONDO:0014661, OMIM 616487.
Autosomal recessive limb-girdle muscular dystrophy type 2Q (LGMDR17). Also called: MUSCULAR DYSTROPHY, LIMB-GIRDLE, AUTOSOMAL RECESSIVE 17. Identifiers: Orphanet 254361, MedGen C3150989, MONDO:0013390, OMIM 613723.
Epidermolysis bullosa simplex 5C, with pyloric atresia (EBS5C). Also called: PLEC1-Related Epidermolysis Bullosa with Pyloric Atresia; PLEC-Related Epidermolysis Bullosa with Pyloric Atresia; Epidermolysis bullosa simplex with pyloric atresia. Identifiers: Orphanet 158684, MedGen C2677349, MONDO:0012807, OMIM 612138.
Epidermolysis bullosa simplex 5B, with muscular dystrophy (EBS5B). Also called: Epidermolysis bullosa simplex with muscular dystrophy; EPIDERMOLYSIS BULLOSA SIMPLEX AND LIMB-GIRDLE MUSCULAR DYSTROPHY. Identifiers: Orphanet 257, MedGen C2931072, MONDO:0009181, OMIM 226670.
Epidermolysis bullosa simplex, Ogna type (EBS5A). Also called: EPIDERMOLYSIS BULLOSA SIMPLEX 5A, OGNA TYPE; Pidermolysis bullosa simplex 5A, Ogna type. Identifiers: Orphanet 79401, MedGen C0432317, MONDO:0007555, OMIM 131950.

Submission:

Labcorp Genetics (formerly Invitae), Labcorp
Classification: Uncertain significance for Autosomal recessive limb-girdle muscular dystrophy type 2Q; Epidermolysis bullosa simplex, Ogna type; Epidermolysis bullosa simplex with nail dystrophy; Epidermolysis bullosa simplex 5C, with pyloric atresia; Epidermolysis bullosa simplex 5B, with muscular dystrophy. Last evaluated: 2023-11-24. Review status: criteria provided, single submitter. Criteria: Invitae Variant Classification Sherloc (09022015). Collection method: clinical testing. Allele origin: germline.
Comment: This sequence change replaces alanine, which is neutral and non-polar, with aspartic acid, which is acidic and polar, at codon 3703 of the PLEC protein (p.Ala3703Asp). This variant is not present in population databases (gnomAD no frequency). This variant has not been reported in the literature in individuals affected with PLEC-related conditions. An algorithm developed to predict the effect of missense changes on protein structure and function (PolyPhen-2) suggests that this variant is likely to be disruptive. In summary, the available evidence is currently insufficient to determine the role of this variant in disease. Therefore, it has been classified as a Variant of Uncertain Significance.

NM_201384.3(PLEC):c.11027C>A (p.Ala3676Asp)

Gene: PLEC (plectin; minus strand). Cytogenetic location: 8q24.3.
Variant type: single nucleotide variant.
Coding change: c.11027C>A on transcript NM_201384.3 (MANE Select); coding-DNA position 11027, C replaced by A.
Protein change: p.Ala3676Asp; replaces alanine 3676 with aspartic acid.
Molecular consequence: missense variant.
Genome position (GRCh38, 1-based): chr8:143,918,794, G>T on the plus strand (C>A on the coding strand, the complement: PLEC is on the minus strand). VCF-style: chr8-143918794-G-T. GRCh37 (hg19) VCF-style: chr8-144992962-G-T.
Other names: c.11438C>A, p.Ala3813Asp (NM_201380.4); c.10931C>A, p.Ala3644Asp (NM_201381.3); c.11027C>A, p.Ala3676Asp (NM_201382.4); c.11039C>A, p.Ala3680Asp (NM_201383.3); c.11108C>A, p.Ala3703Asp (NM_000445.5); c.7727C>A, p.Ala2576Asp (NM_001410941.1); c.10985C>A, p.Ala3662Asp (NM_201378.4); c.10961C>A, p.Ala3654Asp (NM_201379.3); short protein forms A2576D, A3680D, A3644D, A3703D, A3654D, A3662D, A3676D, A3813D.
Identifiers: ClinVar variation 2952835 (VCV002952835.3), dbSNP rs200875002, ClinGen allele CA372494821.